The following is an entry in ClinVar:

NM_001358689.2(TUBB8B):c.51C>G (p.Gly17=)

Gene: TUBB8B (tubulin beta 8B; minus strand). Cytogenetic location: 18p11.32.
Variant type: single nucleotide variant.
Coding change: c.51C>G on transcript NM_001358689.2 (MANE Select); coding-DNA position 51, C replaced by G.
Protein change: p.Gly17=; no amino-acid change (glycine 17 retained).
Molecular consequence: synonymous variant. On other transcripts: intron variant (2).
Genome position (GRCh38, 1-based): chr18:49,507, G>C on the plus strand (C>G on the coding strand, the complement: TUBB8B is on the minus strand). VCF-style: chr18-49507-G-C. GRCh37 (hg19) VCF-style: chr18-49507-G-C.
Other names: c.-160+220C>G (NM_001389609.1); c.-20+220C>G (NM_001389610.1).
Identifiers: ClinVar variation 2648510 (VCV002648510.24), dbSNP rs752264814, ClinGen allele CA8865344.
Genomic context (GRCh38, chr18:49,507, plus strand): 5'-TTCCCCAGCCACCCGGCAGGCCCGGGCTGGGCCCTCAGAGCCCTGGCTGCCAACCTTGGC[G>C]CCGATCTGGTTCCCGCACTGCCCGGTCTGCGTGAGCACGATTTCCCTCATGGCCAAGGCA-3'
Protein context (NP_001345618.1, residues 7-27): TQTGQCGNQI[Gly17=]AKFWEVISDE

ClinVar aggregate classification (germline): Likely benign (1 of 4 stars; one submission).

Allele frequency attached by ClinVar (database versions not stated): 1000 Genomes Project 30x 0.00484.

Submission:

CeGaT Center for Human Genetics Tuebingen
Classification: Likely benign. Last evaluated: 2022-09-01. Review status: criteria provided, single submitter. Criteria: CeGaT Center For Human Genetics Tuebingen Variant Classification Criteria Version 2. Collection method: clinical testing. Allele origin: germline. Affected: yes. Observed: 1 variant allele.
Comment: TUBB8B: BP4, BP7